The following is an entry in ClinVar:

ClinVar aggregate classification (germline): Uncertain significance (1 of 4 stars; one submission).

Allele frequency attached by ClinVar (database versions not stated): gnomAD 0.00001; gnomAD exomes 0.00001; TOPMed 0.00001.
gnomAD v4.1: 9 of 1,613,802 alleles (0.00056%); highest among the groups gnomAD compares: Non-Finnish European, 0.00068%; no homozygotes.

Submission:

Labcorp Genetics (formerly Invitae), Labcorp
Classification: Uncertain significance. Last evaluated: 2025-09-02. Review status: criteria provided, single submitter. Criteria: Invitae Variant Classification Sherloc (09022015). Collection method: clinical testing. Allele origin: germline.
Comment: This sequence change replaces threonine, which is neutral and polar, with proline, which is neutral and non-polar, at codon 518 of the MTOR protein (p.Thr518Pro). This variant is not present in population databases (gnomAD no frequency). This variant has not been reported in the literature in individuals affected with MTOR-related conditions. ClinVar contains an entry for this variant (Variation ID: 1018055). Invitae Evidence Modeling of protein sequence and biophysical properties (such as structural, functional, and spatial information, amino acid conservation, physicochemical variation, residue mobility, and thermodynamic stability) indicates that this missense variant is not expected to disrupt MTOR protein function with a negative predictive value of 95%. In summary, the available evidence is currently insufficient to determine the role of this variant in disease. Therefore, it has been classified as a Variant of Uncertain Significance.

NM_004958.4(MTOR):c.1552A>C (p.Thr518Pro)

Gene: MTOR (mechanistic target of rapamycin kinase; minus strand). Cytogenetic location: 1p36.22.
Variant type: single nucleotide variant.
Coding change: c.1552A>C on transcript NM_004958.4 (MANE Select); coding-DNA position 1552, A replaced by C.
Protein change: p.Thr518Pro; replaces threonine 518 with proline.
Molecular consequence: missense variant.
Genome position (GRCh38, 1-based): chr1:11,240,537, T>G on the plus strand (A>C on the coding strand, the complement: MTOR is on the minus strand). VCF-style: chr1-11240537-T-G. GRCh37 (hg19) VCF-style: chr1-11300594-T-G.
Other names: short protein forms T518P.
Identifiers: ClinVar variation 1018055 (VCV001018055.8), dbSNP rs1013435026, ClinGen allele CA17945535.